The following is an entry in ClinVar:

NM_005548.3(KARS1):c.280C>T (p.Pro94Ser)

Gene: KARS1 (lysyl-tRNA synthetase 1; minus strand). Cytogenetic location: 16q23.1.
Variant type: single nucleotide variant.
Coding change: c.280C>T on transcript NM_005548.3 (MANE Select); coding-DNA position 280, C replaced by T.
Protein change: p.Pro94Ser; replaces proline 94 with serine.
Molecular consequence: missense variant. On other transcripts: 5 prime UTR variant (1).
Genome position (GRCh38, 1-based): chr16:75,640,292, G>A on the plus strand (C>T on the coding strand, the complement: KARS1 is on the minus strand). VCF-style: chr16-75640292-G-A. GRCh37 (hg19) VCF-style: chr16-75674190-G-A.
Other names: c.364C>T, p.Pro122Ser (NM_001130089.2); c.-189C>T (NM_001378148.1); short protein forms P122S, P94S.
Identifiers: ClinVar variation 3363537 (VCV003363537.1).
Genomic context (GRCh38, chr16:75,640,292, plus strand): 5'-GACTATATTTTTGGATGAAGTCAGTGAGTGAGATGTCTACATGGAACTTGTGTGGGTATG[G>A]GTCTTCCCCATTGACCTTCAGCTGATGAATTGCTTGACTGCGGATTTTGTAGTATTGCTG-3'
Protein context (NP_005539.1, residues 84-104): IHQLKVNGED[Pro94Ser]YPHKFHVDIS

ClinVar aggregate classification (germline): Uncertain significance (1 of 4 stars; one submission).

Submission:

GeneDx
Classification: Uncertain significance. Last evaluated: 2023-11-03. Review status: criteria provided, single submitter. Criteria: GeneDx Variant Classification Process June 2021. Collection method: clinical testing. Allele origin: germline. Affected: yes.
Comment: Not observed at significant frequency in large population cohorts (gnomAD); In silico analysis supports that this missense variant has a deleterious effect on protein structure/function; Has not been previously published as pathogenic or benign to our knowledge